The following is an entry in ClinVar:

ClinVar aggregate classification (germline): Uncertain significance. Review status: criteria provided, multiple submitters, no conflicts (2 of 4 stars). 3 submissions from 3 submitters: Uncertain significance (3). Last evaluated 2025-04-10.

Conditions:
Myopathy, distal, 5 (MPD5). Also called: Adenylosuccinate synthetase-like 1-related distal myopathy. Identifiers: Orphanet 482601, MedGen C5567521, MONDO:0014877, OMIM 617030.
Inborn genetic diseases. Identifiers: MedGen C0950123, MeSH D030342.

Allele frequency attached by ClinVar (database versions not stated): gnomAD exomes 0.00007 and 0.00010; ESP Exome Variant Server 0.00008; 1000 Genomes Project 0.00020; TOPMed 0.00025; ExAC 0.00006; 1000 Genomes Project 30x 0.00031; gnomAD 0.00024 and 0.00025.

Submissions (3):

Ambry Genetics
Classification: Uncertain significance for Inborn genetic diseases. Last evaluated: 2025-04-10. Review status: criteria provided, single submitter. Criteria: Ambry Variant Classification Scheme 2023. Collection method: clinical testing. Allele origin: germline.

Labcorp Genetics (formerly Invitae), Labcorp
Classification: Uncertain significance. Last evaluated: 2024-01-15. Review status: criteria provided, single submitter. Criteria: Invitae Variant Classification Sherloc (09022015). Collection method: clinical testing. Allele origin: germline.
Comment: This sequence change replaces arginine, which is basic and polar, with cysteine, which is neutral and slightly polar, at codon 474 of the ADSSL1 protein (p.Arg474Cys). This variant is present in population databases (rs28410638, gnomAD 0.06%). This variant has not been reported in the literature in individuals affected with ADSSL1-related conditions. ClinVar contains an entry for this variant (Variation ID: 1682029). An algorithm developed to predict the effect of missense changes on protein structure and function (PolyPhen-2) suggests that this variant is likely to be disruptive. In summary, the available evidence is currently insufficient to determine the role of this variant in disease. Therefore, it has been classified as a Variant of Uncertain Significance.

Baylor Genetics
Classification: Uncertain significance for Myopathy, distal, 5. Last evaluated: 2022-11-22. Review status: criteria provided, single submitter. Criteria: ACMG Guidelines, 2015. Collection method: clinical testing. Allele origin: unknown.

NM_152328.5(ADSS1):c.1291C>T (p.Arg431Cys)

Gene: ADSS1 (adenylosuccinate synthase 1; plus strand). Cytogenetic location: 14q32.33.
Variant type: single nucleotide variant.
Coding change: c.1291C>T on transcript NM_152328.5 (MANE Select); coding-DNA position 1291, C replaced by T.
Protein change: p.Arg431Cys; replaces arginine 431 with cysteine.
Molecular consequence: missense variant.
Genome position (GRCh38, 1-based): chr14:104,746,355, C>T. VCF-style: chr14-104746355-C-T. GRCh37 (hg19) VCF-style: chr14-105212692-C-T.
Other names: c.676C>T, p.Arg226Cys (NM_001320424.1); c.1420C>T, p.Arg474Cys (NM_199165.2); c.1291C>T (NM_152328.4); c.1420C>T (NM_199165.1); short protein forms R226C, R431C, R474C.
Identifiers: ClinVar variation 1682029 (VCV001682029.7), dbSNP rs28410638, ClinGen allele CA7374084.